The following is an entry in ClinVar:

NM_000313.4(PROS1):c.121C>T (p.Arg41Cys)

Gene: PROS1 (protein S; minus strand). Cytogenetic location: 3q11.1.
Variant type: single nucleotide variant.
Coding change: c.121C>T on transcript NM_000313.4 (MANE Select); coding-DNA position 121, C replaced by T.
Protein change: p.Arg41Cys; replaces arginine 41 with cysteine.
Molecular consequence: missense variant.
Genome position (GRCh38, 1-based): chr3:93,927,363, G>A on the plus strand (C>T on the coding strand, the complement: PROS1 is on the minus strand). VCF-style: chr3-93927363-G-A. GRCh37 (hg19) VCF-style: chr3-93646207-G-A.
Other names: p.Arg41Cys; c.217C>T, p.Arg73Cys (NM_001314077.2); short protein forms R41C, R73C.
Identifiers: ClinVar variation 2683301 (VCV002683301.3), dbSNP rs768994686, ClinGen allele CA2503587.

ClinVar aggregate classification (germline): Conflicting classifications of pathogenicity. Review status: criteria provided, conflicting classifications (1 of 4 stars). 2 submissions from 2 submitters: Likely pathogenic (1); Uncertain significance (1). Last evaluated 2024-06-26.

Conditions:
Thrombophilia due to protein S deficiency, autosomal recessive (THPH6). Identifiers: Orphanet 743, MedGen C3281092, MONDO:0013791, OMIM 614514. Disease mechanism: loss of function.

Allele frequency attached by ClinVar (database versions not stated): gnomAD exomes below 0.00001; TOPMed below 0.00001; ExAC 0.00001.
gnomAD v4.1: 6 of 1,614,066 alleles (0.00037%); highest among the groups gnomAD compares: East Asian, 0.0022%; no homozygotes.

Submissions (2):

Labcorp Genetics (formerly Invitae), Labcorp
Classification: Uncertain significance for Thrombophilia due to protein S deficiency, autosomal recessive. Last evaluated: 2024-06-26. Review status: criteria provided, single submitter. Criteria: Invitae Variant Classification Sherloc (09022015). Collection method: clinical testing. Allele origin: germline.
Comment: This sequence change replaces arginine, which is basic and polar, with cysteine, which is neutral and slightly polar, at codon 41 of the PROS1 protein (p.Arg41Cys). This variant is present in population databases (rs768994686, gnomAD 0.0009%). This variant has not been reported in the literature in individuals affected with PROS1-related conditions. Advanced modeling of protein sequence and biophysical properties (such as structural, functional, and spatial information, amino acid conservation, physicochemical variation, residue mobility, and thermodynamic stability) performed at Invitae indicates that this missense variant is expected to disrupt PROS1 protein function with a positive predictive value of 80%. In summary, the available evidence is currently insufficient to determine the role of this variant in disease. Therefore, it has been classified as a Variant of Uncertain Significance.

Mayo Clinic Laboratories, Mayo Clinic
Classification: Likely pathogenic. Last evaluated: 2022-08-23. Review status: criteria provided, single submitter. Criteria: ACMG Guidelines, 2015. Collection method: clinical testing. Allele origin: germline. Observed: 1 variant allele.
Comment: PP3, PM1, PM2, PS4_moderate